The following is an entry in ClinVar:

NM_025137.4(SPG11):c.1871A>G (p.Glu624Gly)

Gene: SPG11 (SPG11 vesicle trafficking associated, spatacsin; minus strand). Cytogenetic location: 15q21.1.
Variant type: single nucleotide variant.
Coding change: c.1871A>G on transcript NM_025137.4 (MANE Select); coding-DNA position 1871, A replaced by G.
Protein change: p.Glu624Gly; replaces glutamic acid 624 with glycine.
Molecular consequence: missense variant.
Genome position (GRCh38, 1-based): chr15:44,629,253, T>C on the plus strand (A>G on the coding strand, the complement: SPG11 is on the minus strand). VCF-style: chr15-44629253-T-C. GRCh37 (hg19) VCF-style: chr15-44921451-T-C.
Other names: c.1871A>G, p.Glu624Gly (NM_001160227.2); short protein forms E624G.
Identifiers: ClinVar variation 967748 (VCV000967748.6), dbSNP rs1022198629, ClinGen allele CA270080982.

ClinVar aggregate classification (germline): Uncertain significance (1 of 4 stars; one submission).

Conditions:
Hereditary spastic paraplegia 11. Also called: Nakamura Osame syndrome; Autosomal recessive hereditary spastic paraplegia, mental impairment, and thin corpus callosum; Spastic Paraplegia 11; Spastic paraplegia, mental retardation and thin corpus callosum; SPASTIC PARAPLEGIA, AUTOSOMAL RECESSIVE, COMPLICATED, WITH THIN CORPUS CALLOSUM; SPASTIC PARAPLEGIA, AUTOSOMAL RECESSIVE, WITH MENTAL IMPAIRMENT AND THIN CORPUS CALLOSUM. Identifiers: Orphanet 2822, MedGen C1858479, MONDO:0011445, OMIM 604360.

Allele frequency attached by ClinVar (database versions not stated): TOPMed below 0.00001; gnomAD 0.00001.

Submission:

Labcorp Genetics (formerly Invitae), Labcorp
Classification: Uncertain significance for Hereditary spastic paraplegia 11. Last evaluated: 2021-09-01. Review status: criteria provided, single submitter. Criteria: Invitae Variant Classification Sherloc (09022015). Collection method: clinical testing. Allele origin: germline.
Comment: This sequence change replaces glutamic acid with glycine at codon 624 of the SPG11 protein (p.Glu624Gly). The glutamic acid residue is moderately conserved and there is a moderate physicochemical difference between glutamic acid and glycine. This variant is not present in population databases (ExAC no frequency). This variant has not been reported in the literature in individuals affected with SPG11-related conditions. Algorithms developed to predict the effect of missense changes on protein structure and function are either unavailable or do not agree on the potential impact of this missense change (SIFT: "Tolerated"; PolyPhen-2: "Probably Damaging"; Align-GVGD: "Class C0"). In summary, the available evidence is currently insufficient to determine the role of this variant in disease. Therefore, it has been classified as a Variant of Uncertain Significance.